The following is an entry in ClinVar:

NM_006080.3(SEMA3A):c.2042A>T (p.Asp681Val)

Gene: SEMA3A (semaphorin 3A; minus strand). Cytogenetic location: 7q21.11.
Variant type: single nucleotide variant.
Coding change: c.2042A>T on transcript NM_006080.3 (MANE Select); coding-DNA position 2042, A replaced by T.
Protein change: p.Asp681Val; replaces aspartic acid 681 with valine.
Molecular consequence: missense variant.
Genome position (GRCh38, 1-based): chr7:83,961,645, T>A on the plus strand (A>T on the coding strand, the complement: SEMA3A is on the minus strand). VCF-style: chr7-83961645-T-A. GRCh37 (hg19) VCF-style: chr7-83590961-T-A.
Other names: short protein forms D681V.
Identifiers: ClinVar variation 4989462 (VCV004989462.1).
Genomic context (GRCh38, chr7:83,961,645, plus strand): 5'-ACCTTCTGGCTAGGTGTCATGCTATTGGACATTTCTTTGGTCTTAGAGCCATCTCCATCA[T>A]CATCTTTATGAAGAAGTTCTTCCAAATGCTCTGTGTCAATGACTTCCAGGGTTACCTTAA-3'
Protein context (NP_006071.1, residues 671-691): EHLEELLHKD[Asp681Val]DGDGSKTKEM

ClinVar aggregate classification (germline): Uncertain significance (1 of 4 stars; one submission).

Conditions:
SEMA3A-related disorder. Also called: SEMA3A-related condition.

gnomAD v4.1: 25 of 1,613,956 alleles (0.0015%); highest among the groups gnomAD compares: Non-Finnish European, 0.0021%; no homozygotes.

Submission:

PreventionGenetics, part of Exact Sciences
Classification: Uncertain significance for SEMA3A-related condition. Last evaluated: 2025-04-16. Review status: criteria provided, single submitter. Criteria: ACMG Guidelines, 2015. Collection method: clinical testing. Allele origin: germline.
Comment: The SEMA3A c.2042A>T variant is predicted to result in the amino acid substitution p.Asp681Val. To our knowledge, this variant has not been reported in the literature or in a large population database (gnomAD), indicating this variant is rare. At this time, the clinical significance of this variant is uncertain due to the absence of conclusive functional and genetic evidence.